The following is an entry in ClinVar:

ClinVar aggregate classification (germline): Pathogenic (1 of 4 stars; one submission).

Conditions:
Inborn genetic diseases. Identifiers: MedGen C0950123, MeSH D030342.

Submission:

Ambry Genetics
Classification: Pathogenic for Inborn genetic diseases. Last evaluated: 2024-10-31. Review status: criteria provided, single submitter. Criteria: Ambry Variant Classification Scheme 2023. Collection method: clinical testing. Allele origin: germline.
Comment: The c.525delC (p.S177Lfs*29) alteration, located in exon 1 (coding exon 1) of the CPOX gene, consists of a deletion of one nucleotide at position 525, causing a translational frameshift with a predicted alternate stop codon after 29 amino acids. This alteration is expected to result in loss of function by premature protein truncation or nonsense-mediated mRNA decay. This variant was not reported in population-based cohorts in the Genome Aggregation Database (gnomAD). Based on the available evidence, this alteration is classified as pathogenic.

NM_000097.7(CPOX):c.525del (p.Ser177fs)

Gene: CPOX (coproporphyrinogen oxidase; minus strand). Cytogenetic location: 3q11.2.
Variant type: Deletion.
Coding change: c.525del on transcript NM_000097.7 (MANE Select); coding-DNA position 525, one base deleted (C; older notation c.525delC).
Protein change: p.Ser177fs; shifts the reading frame from serine 177.
Molecular consequence: frameshift variant.
Genome position (GRCh38, 1-based): chr3:98,592,980, G deleted on the plus strand (C on the coding strand, the reverse complement: CPOX is on the minus strand). VCF-style (leftmost placement, unchanged base first): chr3-98592979-AG-A. GRCh37 (hg19) VCF-style: chr3-98311823-AG-A.
Other names: short protein forms S177fs.
Identifiers: ClinVar variation 3496548 (VCV003496548.1).